The following is an entry in ClinVar:

ClinVar aggregate classification (germline): Uncertain significance (1 of 4 stars; one submission).

Allele frequency attached by ClinVar (database versions not stated): gnomAD 0.00001.
gnomAD v4.1: 1 of 1,614,062 alleles (0.000062%); highest among the groups gnomAD compares: African/African-American, 0.0013%; no homozygotes.

Submission:

Ambry Genetics
Classification: Uncertain significance. Last evaluated: 2022-01-15. Review status: criteria provided, single submitter. Criteria: Ambry Variant Classification Scheme 2023. Collection method: clinical testing. Allele origin: germline.
Comment: The p.S1099F variant (also known as c.3296C>T), located in coding exon 4 of the ALPK2 gene, results from a C to T substitution at nucleotide position 3296. The serine at codon 1099 is replaced by phenylalanine, an amino acid with highly dissimilar properties. This amino acid position is conserved. In addition, this alteration is predicted to be tolerated by in silico analysis. Since supporting evidence is limited at this time, the clinical significance of this alteration remains unclear.

NM_052947.4(ALPK2):c.3296C>T (p.Ser1099Phe)

Gene: ALPK2 (alpha kinase 2; minus strand). Cytogenetic location: 18q21.31.
Variant type: single nucleotide variant.
Coding change: c.3296C>T on transcript NM_052947.4 (MANE Select); coding-DNA position 3296, C replaced by T.
Protein change: p.Ser1099Phe; replaces serine 1099 with phenylalanine.
Molecular consequence: missense variant.
Genome position (GRCh38, 1-based): chr18:58,536,891, G>A on the plus strand (C>T on the coding strand, the complement: ALPK2 is on the minus strand). VCF-style: chr18-58536891-G-A. GRCh37 (hg19) VCF-style: chr18-56204123-G-A.
Other names: short protein forms S1099F.
Identifiers: ClinVar variation 1729889 (VCV001729889.2), dbSNP rs2051652283, ClinGen allele CA402568684.